The following is an entry in ClinVar:

ClinVar aggregate classification (germline): Uncertain significance (1 of 4 stars; one submission).

gnomAD v4.1: 1 of 1,614,074 alleles (0.000062%); highest among the groups gnomAD compares: Non-Finnish European, 0.000085%; no homozygotes.

Submission:

Labcorp Genetics (formerly Invitae), Labcorp
Classification: Uncertain significance. Last evaluated: 2022-05-09. Review status: criteria provided, single submitter. Criteria: Invitae Variant Classification Sherloc (09022015). Collection method: clinical testing. Allele origin: germline.
Comment: This sequence change replaces arginine, which is basic and polar, with proline, which is neutral and non-polar, at codon 67 of the COX15 protein (p.Arg67Pro). This variant is present in population databases (no rsID available, gnomAD 0.0009%). This variant has not been reported in the literature in individuals affected with COX15-related conditions. Algorithms developed to predict the effect of missense changes on protein structure and function are either unavailable or do not agree on the potential impact of this missense change (SIFT: "Not Available"; PolyPhen-2: "Possibly Damaging"; Align-GVGD: "Not Available"). In summary, the available evidence is currently insufficient to determine the role of this variant in disease. Therefore, it has been classified as a Variant of Uncertain Significance.

NM_078470.6(COX15):c.200G>C (p.Arg67Pro)

Gene: COX15 (cytochrome c oxidase assembly factor COX15; minus strand). Cytogenetic location: 10q24.2.
Variant type: single nucleotide variant.
Coding change: c.200G>C on transcript NM_078470.6 (MANE Select); coding-DNA position 200, G replaced by C.
Protein change: p.Arg67Pro; replaces arginine 67 with proline.
Molecular consequence: missense variant. On other transcripts: 5 prime UTR variant (1), non-coding transcript variant (1).
Genome position (GRCh38, 1-based): chr10:99,729,625, C>G on the plus strand (G>C on the coding strand, the complement: COX15 is on the minus strand). VCF-style: chr10-99729625-C-G. GRCh37 (hg19) VCF-style: chr10-101489382-C-G.
Other names: c.200G>C, p.Arg67Pro (NM_001320974.2, NM_001320975.2, NM_001372024.1 and 5 more transcripts); c.-255G>C (NM_001320976.2); short protein forms R67P.
Identifiers: ClinVar variation 2100557 (VCV002100557.4), dbSNP rs377441431, ClinGen allele CA378090091.